The following is an entry in ClinVar:

ClinVar aggregate classification (germline): Likely benign (0 of 4 stars; one submission).

Conditions:
PKD1-related disorder. Also called: PKD1-related condition.

Allele frequency attached by ClinVar (database versions not stated): TOPMed 0.00001.
gnomAD v4.1: 13 of 1,612,448 alleles (0.00081%); highest among the groups gnomAD compares: Non-Finnish European, 0.001%; no homozygotes.

Submission:

PreventionGenetics, part of Exact Sciences
Classification: Likely benign for PKD1-related condition. Last evaluated: 2022-07-28. Review status: no assertion criteria provided. Collection method: clinical testing. Allele origin: germline.
Comment: This variant is classified as likely benign based on ACMG/AMP sequence variant interpretation guidelines (Richards et al. 2015 PMID: 25741868, with internal and published modifications).

NM_001009944.3(PKD1):c.12297A>G (p.Leu4099=)

Gene: PKD1 (polycystin 1, transient receptor potential channel interacting; minus strand). Cytogenetic location: 16p13.3.
Variant type: single nucleotide variant.
Coding change: c.12297A>G on transcript NM_001009944.3 (MANE Select); coding-DNA position 12297, A replaced by G.
Protein change: p.Leu4099=; no amino-acid change (leucine 4099 retained).
Molecular consequence: synonymous variant.
Genome position (GRCh38, 1-based): chr16:2,090,432, T>C on the plus strand (A>G on the coding strand, the complement: PKD1 is on the minus strand). VCF-style: chr16-2090432-T-C. GRCh37 (hg19) VCF-style: chr16-2140433-T-C.
Other names: c.12294A>G, p.Leu4098= (NM_000296.4).
Identifiers: ClinVar variation 3044682 (VCV003044682.2), dbSNP rs1366352226, ClinGen allele CA493044430.